The following is an entry in ClinVar:

NM_024009.3(GJB3):c.422T>A (p.Ile141Asn)

Gene: GJB3 (gap junction protein beta 3; plus strand). Cytogenetic location: 1p34.3.
Variant type: single nucleotide variant.
Coding change: c.422T>A on transcript NM_024009.3 (MANE Select); coding-DNA position 422, T replaced by A.
Protein change: p.Ile141Asn; replaces isoleucine 141 with asparagine.
Molecular consequence: missense variant.
Genome position (GRCh38, 1-based): chr1:34,785,184, T>A. VCF-style: chr1-34785184-T-A. GRCh37 (hg19) VCF-style: chr1-35250785-T-A.
Other names: c.422T>A, p.Ile141Asn (NM_001005752.2); short protein forms I141N.
Identifiers: ClinVar variation 2430534 (VCV002430534.1), dbSNP rs2521973516, ClinGen allele CA339314102.

ClinVar aggregate classification (germline): Uncertain significance (1 of 4 stars; one submission).

Submission:

GeneDx
Classification: Uncertain significance. Last evaluated: 2022-08-16. Review status: criteria provided, single submitter. Criteria: GeneDx Variant Classification Process June 2021. Collection method: clinical testing. Allele origin: germline. Affected: yes.
Comment: Not observed at significant frequency in large population cohorts (gnomAD); In silico analysis supports that this missense variant has a deleterious effect on protein structure/function; Has not been previously published as pathogenic or benign to our knowledge